The following is an entry in ClinVar:

NM_020810.3(TRMT5):c.1309G>A (p.Ala437Thr)

Gene: TRMT5 (tRNA methyltransferase 5; minus strand). Cytogenetic location: 14q23.1.
Variant type: single nucleotide variant.
Coding change: c.1309G>A on transcript NM_020810.3 (MANE Select); coding-DNA position 1309, G replaced by A.
Protein change: p.Ala437Thr; replaces alanine 437 with threonine.
Molecular consequence: missense variant.
Genome position (GRCh38, 1-based): chr14:60,975,610, C>T on the plus strand (G>A on the coding strand, the complement: TRMT5 is on the minus strand). VCF-style: chr14-60975610-C-T. GRCh37 (hg19) VCF-style: chr14-61442328-C-T.
Other names: c.1393G>A, p.Ala465Thr (NM_001350253.1); c.1390G>A, p.Ala464Thr (NM_001350254.1); short protein forms A437T, A464T, A465T.
Identifiers: ClinVar variation 2134923 (VCV002134923.3), dbSNP rs2502985012, ClinGen allele CA389918958.

ClinVar aggregate classification (germline): Uncertain significance (1 of 4 stars; one submission).

Submission:

Labcorp Genetics (formerly Invitae), Labcorp
Classification: Uncertain significance. Last evaluated: 2022-05-07. Review status: criteria provided, single submitter. Criteria: Invitae Variant Classification Sherloc (09022015). Collection method: clinical testing. Allele origin: germline.
Comment: In summary, the available evidence is currently insufficient to determine the role of this variant in disease. Therefore, it has been classified as a Variant of Uncertain Significance. Algorithms developed to predict the effect of missense changes on protein structure and function output the following: SIFT: "Tolerated"; PolyPhen-2: "Benign"; Align-GVGD: "Class C0". The threonine amino acid residue is found in multiple mammalian species, which suggests that this missense change does not adversely affect protein function. This variant has not been reported in the literature in individuals affected with TRMT5-related conditions. This variant is not present in population databases (gnomAD no frequency). This sequence change replaces alanine, which is neutral and non-polar, with threonine, which is neutral and polar, at codon 437 of the TRMT5 protein (p.Ala437Thr).